The following is an entry in ClinVar:

ClinVar aggregate classification (germline): Uncertain significance. Review status: criteria provided, multiple submitters, no conflicts (2 of 4 stars). 4 submissions from 4 submitters: Uncertain significance (4). Last evaluated 2025-03-03.

Conditions:
Hereditary cancer-predisposing syndrome. Also called: Hereditary Cancer Syndrome; Neoplastic Syndromes, Hereditary; Tumor predisposition; Hereditary neoplastic syndrome. Identifiers: Orphanet 140162, MedGen C0027672, MeSH D009386, MONDO:0015356.
Familial cancer of breast. Also called: BREAST CANCER, FAMILIAL; hereditary breast carcinoma; Hereditary breast cancer. Identifiers: Orphanet 227535, MedGen C0346153, MONDO:0016419, OMIM 114480. Disease mechanism: loss of function.
Fanconi anemia complementation group J. Also called: BRIP1-Related Fanconi Anemia. Identifiers: Orphanet 84, MedGen C1836860, MONDO:0012187, OMIM 609054.
BRIP1-related disorder. Also called: BRIP1-related condition; BRIP1-related disorders. Identifiers: MedGen CN239206.

Allele frequency attached by ClinVar (database versions not stated): gnomAD exomes below 0.00001; ExAC 0.00001.
gnomAD v4.1: 2 of 1,614,166 alleles (0.00012%); highest among the groups gnomAD compares: South Asian, 0.0022%; no homozygotes.

Submissions (4):

Ambry Genetics
Classification: Uncertain significance for Hereditary cancer-predisposing syndrome. Last evaluated: 2025-03-03. Review status: criteria provided, single submitter. Criteria: Ambry Variant Classification Scheme 2023. Collection method: clinical testing. Allele origin: germline.
Comment: The p.T1072A variant (also known as c.3214A>G), located in coding exon 19 of the BRIP1 gene, results from an A to G substitution at nucleotide position 3214. The threonine at codon 1072 is replaced by alanine, an amino acid with similar properties. This amino acid position is not well conserved in available vertebrate species. In addition, this alteration is predicted to be tolerated by in silico analysis. Since supporting evidence is limited at this time, the clinical significance of this alteration remains unclear.

Labcorp Genetics (formerly Invitae), Labcorp
Classification: Uncertain significance for Familial cancer of breast; Fanconi anemia complementation group J. Last evaluated: 2025-01-23. Review status: criteria provided, single submitter. Criteria: Invitae Variant Classification Sherloc (09022015). Collection method: clinical testing. Allele origin: germline.
Comment: This sequence change replaces threonine, which is neutral and polar, with alanine, which is neutral and non-polar, at codon 1072 of the BRIP1 protein (p.Thr1072Ala). This variant is present in population databases (rs756074244, gnomAD 0.003%). This variant has not been reported in the literature in individuals affected with BRIP1-related conditions. ClinVar contains an entry for this variant (Variation ID: 630231). Invitae Evidence Modeling of protein sequence and biophysical properties (such as structural, functional, and spatial information, amino acid conservation, physicochemical variation, residue mobility, and thermodynamic stability) indicates that this missense variant is not expected to disrupt BRIP1 protein function with a negative predictive value of 95%. In summary, the available evidence is currently insufficient to determine the role of this variant in disease. Therefore, it has been classified as a Variant of Uncertain Significance.

Color Diagnostics, LLC DBA Color Health
Classification: Uncertain significance for Hereditary cancer-predisposing syndrome. Last evaluated: 2024-03-07. Review status: criteria provided, single submitter. Criteria: ACMG Guidelines, 2015. Collection method: clinical testing. Allele origin: germline.
Comment: This missense variant replaces threonine with alanine at codon 1072 of the BRIP1 protein. Computational prediction suggests that this variant may not impact protein structure and function (internally defined REVEL score threshold <= 0.5, PMID: 27666373). Splice site prediction tools suggest that this variant may not impact RNA splicing. To our knowledge, functional studies have not been reported for this variant. This variant has not been reported in individuals affected with hereditary cancer in the literature. This variant has been identified in 1/251370 chromosomes in the general population by the Genome Aggregation Database (gnomAD). The available evidence is insufficient to determine the role of this variant in disease conclusively. Therefore, this variant is classified as a Variant of Uncertain Significance.

PreventionGenetics, part of Exact Sciences
Classification: Uncertain significance for BRIP1-related condition. Last evaluated: 2023-06-14. Review status: criteria provided, single submitter. Criteria: ACMG Guidelines, 2015. Collection method: clinical testing. Allele origin: germline.
Comment: The BRIP1 c.3214A>G variant is predicted to result in the amino acid substitution p.Thr1072Ala. To our knowledge, this variant has not been reported in the literature. This variant is reported in 0.0033% of alleles in individuals of South Asian descent in gnomAD (1 allele). This variant is classified as having uncertain clinical significance in ClinVar. At this time, the clinical significance of this variant is uncertain due to the absence of conclusive functional and genetic evidence.

NM_032043.3(BRIP1):c.3214A>G (p.Thr1072Ala)

Gene: BRIP1 (BRCA1 interacting DNA helicase 1; minus strand). Cytogenetic location: 17q23.2.
Variant type: single nucleotide variant.
Coding change: c.3214A>G on transcript NM_032043.3 (MANE Select); coding-DNA position 3214, A replaced by G.
Protein change: p.Thr1072Ala; replaces threonine 1072 with alanine.
Molecular consequence: missense variant.
Genome position (GRCh38, 1-based): chr17:61,683,832, T>C on the plus strand (A>G on the coding strand, the complement: BRIP1 is on the minus strand). VCF-style: chr17-61683832-T-C. GRCh37 (hg19) VCF-style: chr17-59761193-T-C.
Other names: short protein forms T1072A.
Identifiers: ClinVar variation 630231 (VCV000630231.21), dbSNP rs756074244, ClinGen allele CA8690386.